The following is an entry in ClinVar:

ClinVar aggregate classification (germline): Conflicting classifications of pathogenicity. Review status: criteria provided, conflicting classifications (1 of 4 stars). 4 submissions from 4 submitters: Uncertain significance (3); Likely benign (1). Last evaluated 2026-01-18.

Conditions:
DIAPH3-related disorder. Also called: DIAPH3-related condition.

Allele frequency attached by ClinVar (database versions not stated): gnomAD exomes 0.00005; ExAC 0.00009; gnomAD 0.00017 and 0.00018; 1000 Genomes Project 0.00020; TOPMed 0.00024; ESP Exome Variant Server 0.00026; 1000 Genomes Project 30x 0.00031.
gnomAD v4.1: 73 of 1,612,866 alleles (0.0045%); highest among the groups gnomAD compares: African/African-American, 0.065%; no homozygotes.

Submissions (4):

Labcorp Genetics (formerly Invitae), Labcorp
Classification: Uncertain significance. Last evaluated: 2026-01-18. Review status: criteria provided, single submitter. Criteria: Invitae Variant Classification Sherloc (09022015). Collection method: clinical testing. Allele origin: germline.
Comment: This sequence change replaces arginine, which is basic and polar, with histidine, which is basic and polar, at codon 1027 of the DIAPH3 protein (p.Arg1027His). This variant is present in population databases (rs142015799, gnomAD 0.05%). This variant has not been reported in the literature in individuals affected with DIAPH3-related conditions. ClinVar contains an entry for this variant (Variation ID: 1331235). An algorithm developed to predict the effect of missense changes on protein structure and function (PolyPhen-2) suggests that this variant is likely to be disruptive. In summary, the available evidence is currently insufficient to determine the role of this variant in disease. Therefore, it has been classified as a Variant of Uncertain Significance.

GeneDx
Classification: Uncertain significance. Last evaluated: 2025-09-26. Review status: criteria provided, single submitter. Criteria: GeneDx Variant Classification Process June 2021. Collection method: clinical testing. Allele origin: germline. Affected: yes.
Comment: In silico analysis supports that this missense variant has a deleterious effect on protein structure/function; Has not been previously published as pathogenic or benign to our knowledge; Variants in candidate genes are classified as variants of uncertain significance in accordance with ACMG guidelines (PMID: 25741868)

PreventionGenetics, part of Exact Sciences
Classification: Likely benign for DIAPH3-related condition. Last evaluated: 2025-01-25. Review status: criteria provided, single submitter. Criteria: ACMG Guidelines, 2015. Collection method: clinical testing. Allele origin: germline.
Comment: This variant is classified as likely benign based on ACMG/AMP sequence variant interpretation guidelines (Richards et al. 2015 PMID: 25741868, with internal and published modifications).

Ambry Genetics
Classification: Uncertain significance. Last evaluated: 2022-05-11. Review status: criteria provided, single submitter. Criteria: Ambry Variant Classification Scheme 2023. Collection method: clinical testing. Allele origin: germline.

NM_001042517.2(DIAPH3):c.3080G>A (p.Arg1027His)

Gene: DIAPH3 (diaphanous related formin 3; minus strand). Cytogenetic location: 13q21.2.
Variant type: single nucleotide variant.
Coding change: c.3080G>A on transcript NM_001042517.2 (MANE Select); coding-DNA position 3080, G replaced by A.
Protein change: p.Arg1027His; replaces arginine 1027 with histidine.
Molecular consequence: missense variant.
Genome position (GRCh38, 1-based): chr13:59,810,871, C>T on the plus strand (G>A on the coding strand, the complement: DIAPH3 is on the minus strand). VCF-style: chr13-59810871-C-T. GRCh37 (hg19) VCF-style: chr13-60385005-C-T.
Other names: c.3047G>A, p.Arg1016His (NM_001258366.2); c.2942G>A, p.Arg981His (NM_001258367.2); c.2870G>A, p.Arg957His (NM_001258368.2); c.3080G>A, p.Arg1027His (NM_001258369.2); c.2291G>A, p.Arg764His (NM_030932.4); short protein forms R1016H, R1027H, R764H, R957H, R981H.
Identifiers: ClinVar variation 1331235 (VCV001331235.13), dbSNP rs142015799, ClinGen allele CA6996174.